The following is an entry in ClinVar:

NC_000019.9:g.(?_7587627)_(7587677_?)del

Gene: MCOLN1 (mucolipin TRP cation channel 1; plus strand). Cytogenetic location: 19p13.2.
Variant type: Deletion.
Identifiers: ClinVar variation 1456674 (VCV001456674.5).

ClinVar aggregate classification (germline): Pathogenic (1 of 4 stars; one submission).

Conditions:
Mucolipidosis type IV (ML4). Also called: ML IV. Identifiers: Orphanet 578, MedGen C0238286, MONDO:0009653, OMIM 252650.

Submission:

Labcorp Genetics (formerly Invitae), Labcorp
Classification: Pathogenic for Mucolipidosis type IV. Last evaluated: 2022-03-05. Review status: criteria provided, single submitter. Criteria: Invitae Variant Classification Sherloc (09022015). Collection method: clinical testing. Allele origin: germline.
Comment: For these reasons, this variant has been classified as Pathogenic. This variant has not been reported in the literature in individuals affected with MCOLN1-related conditions. This variant is a gross deletion of the genomic region encompassing exon(s) 1 of the MCOLN1 gene, which includes the initiator codon. This deletion extends beyond the assayed region for this gene and therefore may encompass additional genes. It is expected to result in an absent or disrupted protein product. Loss-of-function variants in MCOLN1 are known to be pathogenic (PMID: 11030752, 11317355).

Literature cited by the submitters: PubMed 11030752; PubMed 11317355.